The following is an entry in ClinVar:

NM_181741.4(ORC4):c.272G>C (p.Ser91Thr)

Gene: ORC4 (origin recognition complex subunit 4; minus strand). Cytogenetic location: 2q23.1.
Variant type: single nucleotide variant.
Coding change: c.272G>C on transcript NM_181741.4 (MANE Select); coding-DNA position 272, G replaced by C.
Protein change: p.Ser91Thr; replaces serine 91 with threonine.
Molecular consequence: missense variant.
Genome position (GRCh38, 1-based): chr2:147,958,820, C>G on the plus strand (G>C on the coding strand, the complement: ORC4 is on the minus strand). VCF-style: chr2-147958820-C-G. GRCh37 (hg19) VCF-style: chr2-148716389-C-G.
Other names: c.20G>C, p.Ser7Thr (NM_001374272.1, NM_001190881.3); c.272G>C, p.Ser91Thr (NM_002552.5, NM_181742.5, NM_001190879.3 and 1 more transcripts); c.50G>C, p.Ser17Thr (NM_001190882.3); short protein forms S17T, S7T, S91T.
Identifiers: ClinVar variation 2195535 (VCV002195535.3), dbSNP rs1320537820, ClinGen allele CA348714428.

ClinVar aggregate classification (germline): Uncertain significance. Review status: criteria provided, multiple submitters, no conflicts (2 of 4 stars). 2 submissions from 2 submitters: Uncertain significance (2). Last evaluated 2025-08-21.

Conditions:
Inborn genetic diseases. Identifiers: MedGen C0950123, MeSH D030342.

Allele frequency attached by ClinVar (database versions not stated): TOPMed 0.00005.
gnomAD v4.1: 19 of 1,463,270 alleles (0.0013%); highest among the groups gnomAD compares: Admixed American, 0.032%; no homozygotes.

Submissions (2):

Labcorp Genetics (formerly Invitae), Labcorp
Classification: Uncertain significance. Last evaluated: 2025-08-21. Review status: criteria provided, single submitter. Criteria: Invitae Variant Classification Sherloc (09022015). Collection method: clinical testing. Allele origin: germline.
Comment: This sequence change replaces serine, which is neutral and polar, with threonine, which is neutral and polar, at codon 91 of the ORC4 protein (p.Ser91Thr). This variant is present in population databases (no rsID available, gnomAD 0.02%). This variant has not been reported in the literature in individuals affected with ORC4-related conditions. ClinVar contains an entry for this variant (Variation ID: 2195535). Invitae Evidence Modeling of protein sequence and biophysical properties (such as structural, functional, and spatial information, amino acid conservation, physicochemical variation, residue mobility, and thermodynamic stability) indicates that this missense variant is not expected to disrupt ORC4 protein function with a negative predictive value of 80%. In summary, the available evidence is currently insufficient to determine the role of this variant in disease. Therefore, it has been classified as a Variant of Uncertain Significance.

Ambry Genetics
Classification: Uncertain significance for Inborn genetic diseases. Last evaluated: 2025-04-08. Review status: criteria provided, single submitter. Criteria: Ambry Variant Classification Scheme 2023. Collection method: clinical testing. Allele origin: germline.